The following is an entry in ClinVar:

ClinVar aggregate classification (germline): Conflicting classifications of pathogenicity. Review status: criteria provided, conflicting classifications (1 of 4 stars). 2 submissions from 2 submitters: Uncertain significance (1); Likely benign (1). Last evaluated 2025-11-05.

Conditions:
Congenital myasthenic syndrome 18. Also called: MYASTHENIC SYNDROME, CONGENITAL, 18, WITH INTELLECTUAL DISABILITY AND ATAXIA. Identifiers: Orphanet 590, MedGen C4225364, MONDO:0014590, OMIM 616330.

Allele frequency attached by ClinVar (database versions not stated): gnomAD 0.00001; TOPMed 0.00001; gnomAD exomes 0.00001; ExAC 0.00001.
gnomAD v4.1: 10 of 1,613,876 alleles (0.00062%); highest among the groups gnomAD compares: Admixed American, 0.0033%; no homozygotes.

Submissions (2):

Labcorp Genetics (formerly Invitae), Labcorp
Classification: Likely benign for Congenital myasthenic syndrome 18. Last evaluated: 2025-11-05. Review status: criteria provided, single submitter. Criteria: Invitae Variant Classification Sherloc (09022015). Collection method: clinical testing. Allele origin: germline.

Women's Health and Genetics/Laboratory Corporation of America, LabCorp
Classification: Uncertain significance. Last evaluated: 2025-05-12. Review status: criteria provided, single submitter. Criteria: LabCorp Variant Classification Summary - May 2015. Collection method: clinical testing. Allele origin: germline.
Comment: Variant summary: SNAP25 c.514G>A (p.Asp172Asn) results in a conservative amino acid change in the encoded protein sequence. Algorithms developed to predict the effect of missense changes on protein structure and function are either unavailable or do not agree on the potential impact of this missense change. The variant allele was found at a frequency of 8e-06 in 250964 control chromosomes (gnomAD). The available data on variant occurrences in the general population are insufficient to allow any conclusion about variant significance. To our knowledge, no occurrence of c.514G>A in individuals affected with Congenital Myasthenic Syndrome 18 and no experimental evidence demonstrating its impact on protein function have been reported. ClinVar contains an entry for this variant (Variation ID: 1392766). Based on the evidence outlined above, the variant was classified as uncertain significance.

NM_130811.4(SNAP25):c.514G>A (p.Asp172Asn)

Gene: SNAP25 (synaptosome associated protein 25; plus strand). Cytogenetic location: 20p12.2.
Variant type: single nucleotide variant.
Coding change: c.514G>A on transcript NM_130811.4 (MANE Select); coding-DNA position 514, G replaced by A.
Protein change: p.Asp172Asn; replaces aspartic acid 172 with asparagine.
Molecular consequence: missense variant.
Genome position (GRCh38, 1-based): chr20:10,299,374, G>A. VCF-style: chr20-10299374-G-A. GRCh37 (hg19) VCF-style: chr20-10280022-G-A.
Other names: c.514G>A, p.Asp172Asn (NM_001322902.2, NM_001322903.2, NM_001322904.2 and 7 more transcripts); short protein forms D172N.
Identifiers: ClinVar variation 1392766 (VCV001392766.9), dbSNP rs763898355, ClinGen allele CA9763390.
Genomic context (GRCh38, chr20:10,299,374, plus strand): 5'-CAGGTGAGCGGCATCATCGGGAACCTCCGTCACATGGCCCTGGATATGGGCAATGAGATC[G>A]ATACACAGAATCGCCAGATCGACAGGATCATGGAGAAGGTGAGCACGTGGCAGTCAGCAA-3'
Protein context (NP_570824.1, residues 162-182): HMALDMGNEI[Asp172Asn]TQNRQIDRIM